The following is an entry in ClinVar:

ClinVar aggregate classification (germline): Uncertain significance (1 of 4 stars; one submission).

Conditions:
Cardiovascular phenotype. Identifiers: MedGen CN230736.

Submission:

Ambry Genetics
Classification: Uncertain significance for Cardiovascular phenotype. Last evaluated: 2026-03-03. Review status: criteria provided, single submitter. Criteria: Ambry Variant Classification Scheme 2023. Collection method: clinical testing. Allele origin: germline.
Comment: The p.Y235D variant (also known as c.703T>G), located in coding exon 4 of the CBL gene, results from a T to G substitution at nucleotide position 703. The tyrosine at codon 235 is replaced by aspartic acid, an amino acid with highly dissimilar properties. This amino acid position is conserved. In addition, this alteration is predicted to be deleterious by in silico analysis. Based on the available evidence, the clinical significance of this variant remains unclear.

NM_005188.4(CBL):c.703T>G (p.Tyr235Asp)

Gene: CBL (Cbl proto-oncogene; plus strand). Cytogenetic location: 11q23.3.
Variant type: single nucleotide variant.
Coding change: c.703T>G on transcript NM_005188.4 (MANE Select); coding-DNA position 703, T replaced by G.
Protein change: p.Tyr235Asp; replaces tyrosine 235 with aspartic acid.
Molecular consequence: missense variant.
Genome position (GRCh38, 1-based): chr11:119,273,980, T>G. VCF-style: chr11-119273980-T-G. GRCh37 (hg19) VCF-style: chr11-119144690-T-G.
Other names: short protein forms Y235D.
Identifiers: ClinVar variation 4827366 (VCV004827366.1).